The following is an entry in ClinVar:

ClinVar aggregate classification (germline): Uncertain significance (1 of 4 stars; one submission).

Allele frequency attached by ClinVar (database versions not stated): gnomAD 0.00002; ESP Exome Variant Server 0.00008.
gnomAD v4.1: 3 of 1,613,968 alleles (0.00019%); highest among the groups gnomAD compares: African/African-American, 0.004%; no homozygotes.

Submission:

Labcorp Genetics (formerly Invitae), Labcorp
Classification: Uncertain significance. Last evaluated: 2022-10-04. Review status: criteria provided, single submitter. Criteria: Invitae Variant Classification Sherloc (09022015). Collection method: clinical testing. Allele origin: germline.
Comment: This sequence change replaces aspartic acid, which is acidic and polar, with histidine, which is basic and polar, at codon 274 of the ATP4A protein (p.Asp274His). In summary, the available evidence is currently insufficient to determine the role of this variant in disease. Therefore, it has been classified as a Variant of Uncertain Significance. Advanced modeling of protein sequence and biophysical properties (such as structural, functional, and spatial information, amino acid conservation, physicochemical variation, residue mobility, and thermodynamic stability) performed at Invitae indicates that this missense variant is expected to disrupt ATP4A protein function. This variant has not been reported in the literature in individuals affected with ATP4A-related conditions. This variant is present in population databases (rs368041237, gnomAD 0.01%).

NM_000704.3(ATP4A):c.820G>C (p.Asp274His)

Gene: ATP4A (ATPase H+/K+ transporting subunit alpha; minus strand). Cytogenetic location: 19q13.12.
Variant type: single nucleotide variant.
Coding change: c.820G>C on transcript NM_000704.3 (MANE Select); coding-DNA position 820, G replaced by C.
Protein change: p.Asp274His; replaces aspartic acid 274 with histidine.
Molecular consequence: missense variant.
Genome position (GRCh38, 1-based): chr19:35,560,041, C>G on the plus strand (G>C on the coding strand, the complement: ATP4A is on the minus strand). VCF-style: chr19-35560041-C-G. GRCh37 (hg19) VCF-style: chr19-36050943-C-G.
Other names: short protein forms D274H.
Identifiers: ClinVar variation 2427840 (VCV002427840.6), dbSNP rs368041237, ClinGen allele CA9381258.